The following is an entry in ClinVar:

ClinVar aggregate classification (germline): Uncertain significance (0 of 4 stars; one submission).

Conditions:
PCNT-related disorder. Also called: PCNT-related condition.

gnomAD v4.1: 20 of 1,613,632 alleles (0.0012%); highest among the groups gnomAD compares: Admixed American, 0.0017%; no homozygotes.

Submission:

PreventionGenetics, part of Exact Sciences
Classification: Uncertain significance for PCNT-related condition. Last evaluated: 2024-06-12. Review status: no assertion criteria provided. Collection method: clinical testing. Allele origin: germline.
Comment: The PCNT c.1463A>T variant is predicted to result in the amino acid substitution p.His488Leu. To our knowledge, this variant has not been reported in the literature or in a large population database, indicating this variant is rare. At this time, the clinical significance of this variant is uncertain due to the absence of conclusive functional and genetic evidence.

NM_006031.6(PCNT):c.1463A>T (p.His488Leu)

Gene: PCNT (pericentrin; plus strand). Cytogenetic location: 21q22.3.
Variant type: single nucleotide variant.
Coding change: c.1463A>T on transcript NM_006031.6 (MANE Select); coding-DNA position 1463, A replaced by T.
Protein change: p.His488Leu; replaces histidine 488 with leucine.
Molecular consequence: missense variant.
Genome position (GRCh38, 1-based): chr21:46,353,110, A>T. VCF-style: chr21-46353110-A-T. GRCh37 (hg19) VCF-style: chr21-47773024-A-T.
Other names: c.1109A>T, p.His370Leu (NM_001315529.2); short protein forms H370L, H488L.
Identifiers: ClinVar variation 3355443 (VCV003355443.1).